The following is an entry in ClinVar:

NM_022575.4(VPS16):c.121G>C (p.Ala41Pro)

Gene: VPS16 (VPS16 core subunit of CORVET and HOPS complexes; plus strand). Cytogenetic location: 20p13.
Variant type: single nucleotide variant.
Coding change: c.121G>C on transcript NM_022575.4 (MANE Select); coding-DNA position 121, G replaced by C.
Protein change: p.Ala41Pro; replaces alanine 41 with proline.
Molecular consequence: missense variant.
Genome position (GRCh38, 1-based): chr20:2,859,786, G>C. VCF-style: chr20-2859786-G-C. GRCh37 (hg19) VCF-style: chr20-2840432-G-C.
Other names: c.121G>C, p.Ala41Pro (NM_080413.3); short protein forms A41P.
Identifiers: ClinVar variation 5031716 (VCV005031716.1).

ClinVar aggregate classification (germline): Uncertain significance (1 of 4 stars; one submission).

Conditions:
Inborn genetic diseases. Identifiers: MedGen C0950123, MeSH D030342.

gnomAD v4.1: 7 of 1,612,832 alleles (0.00043%); highest among the groups gnomAD compares: African/African-American, 0.0013%; no homozygotes.

Submission:

Ambry Genetics
Classification: Uncertain significance for Inborn genetic diseases. Last evaluated: 2026-08-12. Review status: criteria provided, single submitter. Criteria: Ambry Variant Classification Scheme 2023. Collection method: clinical testing. Allele origin: germline.
Comment: The c.121G>C (p.A41P) alteration is located in exon 2 (coding exon 2) of the VPS16 gene. This alteration results from a G to C substitution at nucleotide position 121, causing the alanine (A) at amino acid position 41 to be replaced by a proline (P). Based on data from gnomAD, the C allele has an overall frequency of <0.001% (1/250078) total alleles studied. The highest observed frequency was 0.001% (1/113172) of European (non-Finnish) alleles. Based on insufficient or conflicting evidence, the clinical significance of this alteration remains unclear.